The following is an entry in ClinVar:

NM_004329.3(BMPR1A):c.74A>G (p.Asn25Ser)

Gene: BMPR1A (bone morphogenetic protein receptor type 1A; plus strand). Cytogenetic location: 10q23.2.
Variant type: single nucleotide variant.
Coding change: c.74A>G on transcript NM_004329.3 (MANE Select); coding-DNA position 74, A replaced by G.
Protein change: p.Asn25Ser; replaces asparagine 25 with serine.
Molecular consequence: missense variant.
Genome position (GRCh38, 1-based): chr10:86,890,068, A>G. VCF-style: chr10-86890068-A-G. GRCh37 (hg19) VCF-style: chr10-88649825-A-G.
Other names: short protein forms N25S.
Identifiers: ClinVar variation 411645 (VCV000411645.25), dbSNP rs1060503410, ClinGen allele CA16613192.
Genomic context (GRCh38, chr10:86,890,068, plus strand): 5'-AAACAATGAGCTTTTCAGAAATGATTTACTTACAAATTCCATATTTGAATGCAGGACAGA[A>G]TCTGGATAGTATGCTTCATGGCACTGGGATGAAATCAGACTCCGACCAGAAAAAGTCAGA-3'
Protein context (NP_004320.2, residues 15-35): LFIISRVQGQ[Asn25Ser]LDSMLHGTGM

ClinVar aggregate classification (germline): Conflicting classifications of pathogenicity. Review status: criteria provided, conflicting classifications (1 of 4 stars). 6 submissions from 6 submitters: Uncertain significance (5); Likely benign (1). Last evaluated 2025-12-18.

Conditions:
Juvenile polyposis syndrome (JPS). Identifiers: Orphanet 2929, MedGen C0345893, MONDO:0017380, OMIM 174900.
Polyposis syndrome, hereditary mixed, 2. Identifiers: Orphanet 157794, MedGen C1864730, MONDO:0012405, OMIM 610069.
Hereditary cancer-predisposing syndrome. Also called: Hereditary neoplastic syndrome; Neoplastic Syndromes, Hereditary; Tumor predisposition; Hereditary Cancer Syndrome. Identifiers: Orphanet 140162, MedGen C0027672, MeSH D009386, MONDO:0015356.

Allele frequency attached by ClinVar (database versions not stated): TOPMed below 0.00001; gnomAD 0.00001; gnomAD exomes 0.00003.
gnomAD v4.1: 47 of 1,612,828 alleles (0.0029%); highest among the groups gnomAD compares: Admixed American, 0.005%; no homozygotes.

Submissions (6):

Labcorp Genetics (formerly Invitae), Labcorp
Classification: Uncertain significance for Juvenile polyposis syndrome. Last evaluated: 2025-12-18. Review status: criteria provided, single submitter. Criteria: Invitae Variant Classification Sherloc (09022015). Collection method: clinical testing. Allele origin: germline.
Comment: This sequence change replaces asparagine, which is neutral and polar, with serine, which is neutral and polar, at codon 25 of the BMPR1A protein (p.Asn25Ser). This variant is not present in population databases (gnomAD no frequency). This variant has not been reported in the literature in individuals affected with BMPR1A-related conditions. ClinVar contains an entry for this variant (Variation ID: 411645). Invitae Evidence Modeling of protein sequence and biophysical properties (such as structural, functional, and spatial information, amino acid conservation, physicochemical variation, residue mobility, and thermodynamic stability) indicates that this missense variant is not expected to disrupt BMPR1A protein function with a negative predictive value of 95%. RNA analysis performed to evaluate the impact of this missense change on mRNA splicing indicates it does not significantly alter splicing (internal data). In summary, the available evidence is currently insufficient to determine the role of this variant in disease. Therefore, it has been classified as a Variant of Uncertain Significance.

Color Diagnostics, LLC DBA Color Health
Classification: Uncertain significance for Hereditary cancer-predisposing syndrome. Last evaluated: 2025-02-10. Review status: criteria provided, single submitter. Criteria: ACMG Guidelines, 2015. Collection method: clinical testing. Allele origin: germline.
Comment: This missense variant replaces asparagine with serine at codon 25 of the BMPR1A protein. Computational prediction suggests that this variant may not impact protein structure and function. To our knowledge, functional studies have not been reported for this variant. This variant has not been reported in individuals affected with BMPR1A-related disorders in the literature. This variant has not been identified in the general population by the Genome Aggregation Database (gnomAD). The available evidence is insufficient to determine the role of this variant in disease conclusively. Therefore, this variant is classified as a Variant of Uncertain Significance.

GeneDx
Classification: Uncertain significance. Last evaluated: 2024-04-03. Review status: criteria provided, single submitter. Criteria: GeneDx Variant Classification Process June 2021. Collection method: clinical testing. Allele origin: germline. Affected: yes.
Comment: Not observed at significant frequency in large population cohorts (gnomAD); In silico analysis supports that this missense variant does not alter protein structure/function; In silico analysis is inconclusive as to whether the variant alters gene splicing. In the absence of RNA/functional studies, the actual effect of this sequence change is unknown.; Observed in an individual with colorectal cancer in published literature (PMID: 28944238); This variant is associated with the following publications: (PMID: 28944238)

All of Us Research Program, National Institutes of Health
Classification: Uncertain significance for Juvenile polyposis syndrome. Last evaluated: 2023-11-02. Review status: criteria provided, single submitter. Criteria: ACMG Guidelines, 2015. Collection method: clinical testing. Allele origin: germline. Inheritance: Autosomal dominant inheritance. Observed: 2 variant alleles, 2 heterozygotes.
Comment: This missense variant replaces asparagine with serine at codon 25 of the BMPR1A protein. Computational prediction suggests that this variant may not impact protein structure and function (internally defined REVEL score threshold <= 0.5, PMID: 27666373). To our knowledge, functional studies have not been reported for this variant. This variant has not been reported in individuals affected with BMPR1A-related disorders in the literature. This variant has not been identified in the general population by the Genome Aggregation Database (gnomAD). The available evidence is insufficient to determine the role of this variant in disease conclusively. Therefore, this variant is classified as a Variant of Uncertain Significance.

This study involves interpretation of variants in research participants for the purpose of population health screening. Participant phenotype was not available at the time of variant classification. Additional details can be found in publication PMID: 35346344, PMCID: PMC8962531

Baylor Genetics
Classification: Uncertain significance for Polyposis syndrome, hereditary mixed, 2. Last evaluated: 2023-07-04. Review status: criteria provided, single submitter. Criteria: ACMG Guidelines, 2015. Collection method: clinical testing. Allele origin: unknown.

Ambry Genetics
Classification: Likely benign for Hereditary cancer-predisposing syndrome. Last evaluated: 2021-09-21. Review status: criteria provided, single submitter. Criteria: Ambry Variant Classification Scheme 2023. Collection method: clinical testing. Allele origin: germline.